The following is an entry in ClinVar:

ClinVar aggregate classification (germline): Uncertain significance (1 of 4 stars; one submission).

Conditions:
Glycine encephalopathy. Also called: Nonketotic hyperglycinemia; Non-ketotic hyperglycinemia. Identifiers: Orphanet 407, MedGen C0751748, MONDO:0011612, HP:0008288.

Submission:

Labcorp Genetics (formerly Invitae), Labcorp
Classification: Uncertain significance for Glycine encephalopathy. Last evaluated: 2022-01-31. Review status: criteria provided, single submitter. Criteria: Invitae Variant Classification Sherloc (09022015). Collection method: clinical testing. Allele origin: germline.
Comment: In summary, the available evidence is currently insufficient to determine the role of this variant in disease. Therefore, it has been classified as a Variant of Uncertain Significance. Advanced modeling of protein sequence and biophysical properties (such as structural, functional, and spatial information, amino acid conservation, physicochemical variation, residue mobility, and thermodynamic stability) performed at Invitae indicates that this missense variant is not expected to disrupt GLDC protein function. This variant has not been reported in the literature in individuals affected with GLDC-related conditions. This variant is not present in population databases (gnomAD no frequency). This sequence change replaces threonine, which is neutral and polar, with isoleucine, which is neutral and non-polar, at codon 240 of the GLDC protein (p.Thr240Ile).

NM_000170.3(GLDC):c.719C>T (p.Thr240Ile)

Gene: GLDC (glycine decarboxylase; minus strand). Cytogenetic location: 9p24.1.
Variant type: single nucleotide variant.
Coding change: c.719C>T on transcript NM_000170.3 (MANE Select); coding-DNA position 719, C replaced by T.
Protein change: p.Thr240Ile; replaces threonine 240 with isoleucine.
Molecular consequence: missense variant.
Genome position (GRCh38, 1-based): chr9:6,605,273, G>A on the plus strand (C>T on the coding strand, the complement: GLDC is on the minus strand). VCF-style: chr9-6605273-G-A. GRCh37 (hg19) VCF-style: chr9-6605273-G-A.
Other names: short protein forms T240I.
Identifiers: ClinVar variation 1395784 (VCV001395784.6), dbSNP rs1563857096, ClinGen allele CA372896809.